The following is an entry in ClinVar:

NM_001458.5(FLNC):c.5217G>A (p.Pro1739=)

Gene: FLNC (filamin C; plus strand). Cytogenetic location: 7q32.1.
Variant type: single nucleotide variant.
Coding change: c.5217G>A on transcript NM_001458.5 (MANE Select); coding-DNA position 5217, G replaced by A.
Protein change: p.Pro1739=; no amino-acid change (proline 1739 retained).
Molecular consequence: synonymous variant. On other transcripts: intron variant (1).
Genome position (GRCh38, 1-based): chr7:128,849,993, G>A. VCF-style: chr7-128849993-G-A. GRCh37 (hg19) VCF-style: chr7-128490047-G-A.
Other names: c.5200-391G>A (NM_001127487.2).
Identifiers: ClinVar variation 1013564 (VCV001013564.21), dbSNP rs769643482, ClinGen allele CA4475610.

ClinVar aggregate classification (germline): Likely benign. Review status: criteria provided, multiple submitters, no conflicts (2 of 4 stars). 5 submissions from 5 submitters: Likely benign (5). Last evaluated 2025-12-03.

Conditions:
Myofibrillar myopathy 5. Also called: Filaminopathy (type); FILAMINOPATHY, AUTOSOMAL DOMINANT. Identifiers: Orphanet 171445, MedGen C1836050, MONDO:0012289, OMIM 609524.
Hypertrophic cardiomyopathy 26. Also called: Cardiomyopathy, familial hypertrophic, 26. Identifiers: Orphanet 75249, MedGen C4310749, MONDO:0014883, OMIM 617047.
Distal myopathy with posterior leg and anterior hand involvement. Also called: WILLIAMS DISTAL MYOPATHY. Identifiers: Orphanet 63273, MedGen C3279722, MONDO:0013550, OMIM 614065.
FLNC-related disorder. Also called: FLNC-related disorders; FLNC-related condition.
Cardiovascular phenotype. Identifiers: MedGen CN230736.

Allele frequency attached by ClinVar (database versions not stated): gnomAD 0.00003; TOPMed 0.00005; gnomAD exomes 0.00008; ExAC 0.00009; 1000 Genomes Project 30x 0.00016.
gnomAD v4.1: 39 of 1,585,716 alleles (0.0025%); highest among the groups gnomAD compares: East Asian, 0.048%; no homozygotes.

Submissions (5):

Labcorp Genetics (formerly Invitae), Labcorp
Classification: Likely benign for Distal myopathy with posterior leg and anterior hand involvement; Myofibrillar myopathy 5; Hypertrophic cardiomyopathy 26. Last evaluated: 2025-12-03. Review status: criteria provided, single submitter. Criteria: Invitae Variant Classification Sherloc (09022015). Collection method: clinical testing. Allele origin: germline.

Molecular Diagnostic Laboratory for Inherited Cardiovascular Disease, Montreal Heart Institute
Classification: Likely benign. Last evaluated: 2025-04-09. Review status: criteria provided, single submitter. Criteria: ACMG Guidelines, 2015. Collection method: clinical testing. Allele origin: germline. Affected: no.

PreventionGenetics, part of Exact Sciences
Classification: Likely benign for FLNC-related condition. Last evaluated: 2025-04-04. Review status: criteria provided, single submitter. Criteria: ACMG Guidelines, 2015. Collection method: clinical testing. Allele origin: germline.
Comment: This variant is classified as likely benign based on ACMG/AMP sequence variant interpretation guidelines (Richards et al. 2015 PMID: 25741868, with internal and published modifications).

Blueprint Genetics
Classification: Likely benign. Last evaluated: 2023-08-08. Review status: criteria provided, single submitter. Criteria: ACMG Guidelines, 2015. Collection method: clinical testing. Allele origin: germline.

Ambry Genetics
Classification: Likely benign for Cardiovascular phenotype. Last evaluated: 2019-10-20. Review status: criteria provided, single submitter. Criteria: Ambry Variant Classification Scheme 2023. Collection method: clinical testing. Allele origin: germline.